The following is an entry in ClinVar:

ClinVar aggregate classification (germline): Likely benign (1 of 4 stars; one submission).

Conditions:
SCAPER-related disorder. Also called: SCAPER-related condition.

gnomAD v4.1: 2 of 1,545,850 alleles (0.00013%); highest among the groups gnomAD compares: Non-Finnish European, 0.000087%; no homozygotes.

Submission:

PreventionGenetics, part of Exact Sciences
Classification: Likely benign for SCAPER-related condition. Last evaluated: 2024-10-22. Review status: criteria provided, single submitter. Criteria: ACMG Guidelines, 2015. Collection method: clinical testing. Allele origin: germline.
Comment: This variant is classified as likely benign based on ACMG/AMP sequence variant interpretation guidelines (Richards et al. 2015 PMID: 25741868, with internal and published modifications).

NM_020843.4(SCAPER):c.135A>G (p.Lys45=)

Gene: SCAPER (S-phase cyclin A associated protein in the ER; minus strand). Cytogenetic location: 15q24.3.
Variant type: single nucleotide variant.
Coding change: c.135A>G on transcript NM_020843.4 (MANE Select); coding-DNA position 135, A replaced by G.
Protein change: p.Lys45=; no amino-acid change (lysine 45 retained).
Molecular consequence: synonymous variant. On other transcripts: 5 prime UTR variant (4), non-coding transcript variant (1).
Genome position (GRCh38, 1-based): chr15:76,857,869, T>C on the plus strand (A>G on the coding strand, the complement: SCAPER is on the minus strand). VCF-style: chr15-76857869-T-C. GRCh37 (hg19) VCF-style: chr15-77150210-T-C.
Other names: c.-830A>G (NM_001145923.2); c.135A>G, p.Lys45= (NM_001353009.2); c.-323A>G (NM_001353010.2); c.-386A>G (NM_001353011.2); c.-268A>G (NM_001353012.2).
Identifiers: ClinVar variation 4986037 (VCV004986037.1).